The following is an entry in ClinVar:

ClinVar aggregate classification (germline): Pathogenic (1 of 4 stars; one submission).

Conditions:
Sandhoff disease. Also called: GM2-GANGLIOSIDOSIS, TYPE II; HEXOSAMINIDASES A AND B DEFICIENCY; Beta-hexosaminidase-beta-subunit deficiency; GM2 gangliosidosis, type 2; Total hexosaminidase deficiency; Sandhoff-Jatzkewitz-Pilz disease. Identifiers: Orphanet 796, MedGen C0036161, MONDO:0010006, OMIM 268800.

Submission:

Labcorp Genetics (formerly Invitae), Labcorp
Classification: Pathogenic for Sandhoff disease. Last evaluated: 2021-08-19. Review status: criteria provided, single submitter. Criteria: Invitae Variant Classification Sherloc (09022015). Collection method: clinical testing. Allele origin: germline.
Comment: This sequence change creates a premature translational stop signal (p.Glu342Lysfs*31) in the HEXB gene. It is expected to result in an absent or disrupted protein product. This variant is not present in population databases (ExAC no frequency). This variant has not been reported in the literature in individuals with HEXB-related conditions. Loss-of-function variants in HEXB are known to be pathogenic (PMID: 7550345, 18758829). For these reasons, this variant has been classified as Pathogenic.

Literature cited by the submitters: PubMed 7550345; PubMed 18758829.

NM_000521.4(HEXB):c.1021_1023delinsTCAAA (p.Glu342fs)

Gene: HEXB (hexosaminidase subunit beta; plus strand). Cytogenetic location: 5q13.3.
Variant type: Indel.
Coding change: c.1021_1023delinsTCAAA on transcript NM_000521.4 (MANE Select); coding-DNA positions 1021 to 1023, AGT replaced by TCAAA.
Protein change: p.Glu342fs; shifts the reading frame from glutamic acid 342.
Molecular consequence: frameshift variant.
Genome position (GRCh38, 1-based): chr5:74,715,629-74,715,631, AGT replaced by TCAAA. VCF-style: chr5-74715629-AGT-TCAAA. GRCh37 (hg19) VCF-style: chr5-74011454-AGT-TCAAA.
Other names: c.346_348delinsTCAAA, p.Glu117fs (NM_001292004.2); short protein forms E117fs, E342fs.
Identifiers: ClinVar variation 849280 (VCV000849280.7), dbSNP rs1749651392, ClinGen allele CA916082718.